The following is an entry in ClinVar:

ClinVar aggregate classification (germline): Uncertain significance. Review status: criteria provided, multiple submitters, no conflicts (2 of 4 stars). 2 submissions from 2 submitters: Uncertain significance (2). Last evaluated 2025-10-13.

Conditions:
46,XY sex reversal 9 (SRXY9). Also called: 46,XY SEX REVERSAL, ZFPM2-RELATED. Identifiers: Orphanet 251510, MedGen C4015129, MONDO:0014480, OMIM 616067.
Inborn genetic diseases. Identifiers: MedGen C0950123, MeSH D030342.

Allele frequency attached by ClinVar (database versions not stated): ExAC 0.00003; gnomAD exomes 0.00004 and 0.00008; gnomAD 0.00005 and 0.00006; TOPMed 0.00006; ESP Exome Variant Server 0.00008.
gnomAD v4.1: 131 of 1,613,910 alleles (0.0081%); highest among the groups gnomAD compares: Non-Finnish European, 0.01%; no homozygotes.

Submissions (2):

Labcorp Genetics (formerly Invitae), Labcorp
Classification: Uncertain significance for 46,XY sex reversal 9. Last evaluated: 2025-10-13. Review status: criteria provided, single submitter. Criteria: Invitae Variant Classification Sherloc (09022015). Collection method: clinical testing. Allele origin: germline.
Comment: This sequence change replaces leucine, which is neutral and non-polar, with proline, which is neutral and non-polar, at codon 206 of the ZFPM2 protein (p.Leu206Pro). This variant is present in population databases (rs368572530, gnomAD 0.01%). This variant has not been reported in the literature in individuals affected with ZFPM2-related conditions. ClinVar contains an entry for this variant (Variation ID: 857370). An algorithm developed to predict the effect of missense changes on protein structure and function (PolyPhen-2) suggests that this variant is likely to be disruptive. In summary, the available evidence is currently insufficient to determine the role of this variant in disease. Therefore, it has been classified as a Variant of Uncertain Significance.

Ambry Genetics
Classification: Uncertain significance for Inborn genetic diseases. Last evaluated: 2023-02-27. Review status: criteria provided, single submitter. Criteria: Ambry Variant Classification Scheme 2023. Collection method: clinical testing. Allele origin: germline.

NM_012082.4(ZFPM2):c.617T>C (p.Leu206Pro)

Genes: ZFPM2 (zinc finger protein, FOG family member 2; plus strand), ZFPM2-AS1 (ZFPM2 antisense RNA 1; minus strand). Cytogenetic location: 8q23.1.
Variant type: single nucleotide variant.
Coding change: c.617T>C on transcript NM_012082.4 (MANE Select); coding-DNA position 617, T replaced by C.
Protein change: p.Leu206Pro; replaces leucine 206 with proline.
Molecular consequence: missense variant.
Genome position (GRCh38, 1-based): chr8:105,788,802, T>C. VCF-style: chr8-105788802-T-C. GRCh37 (hg19) VCF-style: chr8-106801030-T-C.
Other names: c.458T>C, p.Leu153Pro (NM_001362836.2); c.221T>C, p.Leu74Pro (NM_001362837.2); short protein forms L206P, L74P, L153P.
Identifiers: ClinVar variation 857370 (VCV000857370.11), dbSNP rs368572530, ClinGen allele CA4839576.
Genomic context (GRCh38, chr8:105,788,802, plus strand): 5'-CGAAGGCCATCTCTGAGGGTGAAGAGCTAATTGCCTTTGTGGTGGATTTTGACTCAAGGC[T>C]ACAAGCTGCCAGTCAGATGACTCTCACAGAAGGGATGTACCCTGCACGCCTGCTGGACTC-3'
Protein context (NP_036214.2, residues 196-216): IAFVVDFDSR[Leu206Pro]QAASQMTLTE